The following is an entry in ClinVar:

ClinVar aggregate classification (germline): Uncertain significance. Review status: criteria provided, multiple submitters, no conflicts (2 of 4 stars). 3 submissions from 3 submitters: Uncertain significance (3). Last evaluated 2025-06-19.

Conditions:
Hereditary cancer-predisposing syndrome. Also called: Tumor predisposition; Hereditary Cancer Syndrome; Neoplastic Syndromes, Hereditary; Hereditary neoplastic syndrome. Identifiers: Orphanet 140162, MedGen C0027672, MeSH D009386, MONDO:0015356.
Familial adenomatous polyposis 2. Also called: MYH-associated polyposis; FAP type 2; ADENOMAS, MULTIPLE COLORECTAL, AUTOSOMAL RECESSIVE; MUTYH Polyposis; MUTYH-associated polyposis; MUTYH-related attenuated familial adenomatous polyposis. Identifiers: Orphanet 220460, Orphanet 247798, MedGen C3272841, MONDO:0012041, OMIM 608456.

Allele frequency attached by ClinVar (database versions not stated): gnomAD 0.00001.

Submissions (3):

Color Diagnostics, LLC DBA Color Health
Classification: Uncertain significance for Hereditary cancer-predisposing syndrome. Last evaluated: 2025-06-19. Review status: criteria provided, single submitter. Criteria: ACMG Guidelines, 2015. Collection method: clinical testing. Allele origin: germline.
Comment: This missense variant replaces asparagine with lysine at codon 171 of the MUTYH protein. Computational prediction is inconclusive regarding the impact of this variant on protein structure and function. To our knowledge, functional studies have not been reported for this variant. This variant has not been reported in individuals affected with hereditary cancer in the literature. This variant has not been identified in the general population by the Genome Aggregation Database (gnomAD). The available evidence is insufficient to determine the role of this variant in disease conclusively. Therefore, this variant is classified as a Variant of Uncertain Significance.

Labcorp Genetics (formerly Invitae), Labcorp
Classification: Uncertain significance for Familial adenomatous polyposis 2. Last evaluated: 2024-04-24. Review status: criteria provided, single submitter. Criteria: Invitae Variant Classification Sherloc (09022015). Collection method: clinical testing. Allele origin: germline.
Comment: This sequence change replaces asparagine, which is neutral and polar, with lysine, which is basic and polar, at codon 171 of the MUTYH protein (p.Asn171Lys). This variant is not present in population databases (gnomAD no frequency). This variant has not been reported in the literature in individuals affected with MUTYH-related conditions. ClinVar contains an entry for this variant (Variation ID: 219768). An algorithm developed to predict the effect of missense changes on protein structure and function (PolyPhen-2) suggests that this variant is likely to be disruptive. In summary, the available evidence is currently insufficient to determine the role of this variant in disease. Therefore, it has been classified as a Variant of Uncertain Significance.

Ambry Genetics
Classification: Uncertain significance for Hereditary cancer-predisposing syndrome. Last evaluated: 2024-03-13. Review status: criteria provided, single submitter. Criteria: Ambry Variant Classification Scheme 2023. Collection method: clinical testing. Allele origin: germline.
Comment: The p.N171K variant (also known as c.513T>A), located in coding exon 7 of the MUTYH gene, results from a T to A substitution at nucleotide position 513. The asparagine at codon 171 is replaced by lysine, an amino acid with similar properties. This amino acid position is conserved. In addition, the in silico prediction for this alteration is inconclusive. Since supporting evidence is limited at this time, the clinical significance of this alteration remains unclear.

NM_001048174.2(MUTYH):c.429T>A (p.Asn143Lys)

Gene: MUTYH (mutY DNA glycosylase; minus strand). Cytogenetic location: 1p34.1.
Variant type: single nucleotide variant.
Coding change: c.429T>A on transcript NM_001048174.2 (MANE Select); coding-DNA position 429, T replaced by A.
Protein change: p.Asn143Lys; replaces asparagine 143 with lysine.
Molecular consequence: missense variant. On other transcripts: non-coding transcript variant (2).
Genome position (GRCh38, 1-based): chr1:45,332,826, A>T on the plus strand (T>A on the coding strand, the complement: MUTYH is on the minus strand). VCF-style: chr1-45332826-A-T. GRCh37 (hg19) VCF-style: chr1-45798498-A-T.
Other names: c.429T>A, p.Asn143Lys (NM_001048171.2, NM_001048173.2, NM_001293195.2); c.432T>A, p.Asn144Lys (NM_001048172.2); c.513T>A, p.Asn171Lys (NM_001128425.2); c.474T>A, p.Asn158Lys (NM_001293190.2); c.462T>A, p.Asn154Lys (NM_001293191.2); c.153T>A, p.Asn51Lys (NM_001293192.2, NM_001293196.2); c.84T>A, p.Asn28Lys (NM_001350650.2, NM_001350651.2); c.504T>A, p.Asn168Lys (NM_012222.3); short protein forms N171K, N144K, N154K, N168K, N28K, N51K, N143K, N158K.
Identifiers: ClinVar variation 219768 (VCV000219768.11), dbSNP rs864622242, ClinGen allele CA349356.